The following is an entry in ClinVar:

NM_001365951.3(KIF1B):c.411A>C (p.Glu137Asp)

Genes: KIF1B (kinesin family member 1B; plus strand), LOC129388447 (MPRA-validated peak65 silencer; plus strand). Cytogenetic location: 1p36.22.
Variant type: single nucleotide variant.
Coding change: c.411A>C on transcript NM_001365951.3 (MANE Select); coding-DNA position 411, A replaced by C.
Protein change: p.Glu137Asp; replaces glutamic acid 137 with aspartic acid.
Molecular consequence: missense variant.
Genome position (GRCh38, 1-based): chr1:10,261,952, A>C. VCF-style: chr1-10261952-A-C. GRCh37 (hg19) VCF-style: chr1-10322010-A-C.
Other names: c.411A>C, p.Glu137Asp (NM_001365952.1, NM_001365953.1, NM_015074.3 and 1 more transcripts); short protein forms E137D.
Identifiers: ClinVar variation 4844685 (VCV004844685.1).

ClinVar aggregate classification (germline): Uncertain significance (1 of 4 stars; one submission).

gnomAD v4.1: 4 of 1,611,152 alleles (0.00025%); highest among the groups gnomAD compares: South Asian, 0.0033%; no homozygotes.

Submission:

Ambry Genetics
Classification: Uncertain significance. Last evaluated: 2026-02-22. Review status: criteria provided, single submitter. Criteria: Ambry Variant Classification Scheme 2023. Collection method: clinical testing. Allele origin: germline.
Comment: The p.E137D variant (also known as c.411A>C), located in coding exon 4 of the KIF1B gene, results from an A to C substitution at nucleotide position 411. The glutamic acid at codon 137 is replaced by aspartic acid, an amino acid with highly similar properties. This amino acid position is conserved. In addition, this alteration is predicted to be tolerated by in silico analysis. Based on the available evidence, the clinical significance of this variant remains unclear.